The following is an entry in ClinVar:

NM_001382241.1(TNPO2):c.1689G>A (p.Met563Ile)

Gene: TNPO2 (transportin 2; minus strand). Cytogenetic location: 19p13.13.
Variant type: single nucleotide variant.
Coding change: c.1689G>A on transcript NM_001382241.1 (MANE Select); coding-DNA position 1689, G replaced by A.
Protein change: p.Met563Ile; replaces methionine 563 with isoleucine.
Molecular consequence: missense variant. On other transcripts: non-coding transcript variant (6).
Genome position (GRCh38, 1-based): chr19:12,705,748, C>T on the plus strand (G>A on the coding strand, the complement: TNPO2 is on the minus strand). VCF-style: chr19-12705748-C-T. GRCh37 (hg19) VCF-style: chr19-12816562-C-T.
Other names: c.1689G>A, p.Met563Ile (NM_001136195.2, NM_001136196.2, NM_001382236.1 and 7 more transcripts); short protein forms M563I.
Identifiers: ClinVar variation 3369371 (VCV003369371.1).

ClinVar aggregate classification (germline): Uncertain significance (1 of 4 stars; one submission).

Submission:

GeneDx
Classification: Uncertain significance. Last evaluated: 2024-02-16. Review status: criteria provided, single submitter. Criteria: GeneDx Variant Classification Process June 2021. Collection method: clinical testing. Allele origin: germline. Affected: yes.
Comment: Not observed at significant frequency in large population cohorts (gnomAD); In silico analysis supports that this missense variant has a deleterious effect on protein structure/function; Has not been previously published as pathogenic or benign to our knowledge